The following is an entry in ClinVar:

ClinVar aggregate classification (germline): Uncertain significance (1 of 4 stars; one submission).

Allele frequency attached by ClinVar (database versions not stated): TOPMed below 0.00001.

Submission:

Labcorp Genetics (formerly Invitae), Labcorp
Classification: Uncertain significance. Last evaluated: 2021-06-09. Review status: criteria provided, single submitter. Criteria: Invitae Variant Classification Sherloc (09022015). Collection method: clinical testing. Allele origin: germline.
Comment: In summary, the available evidence is currently insufficient to determine the role of this variant in disease. Therefore, it has been classified as a Variant of Uncertain Significance. Algorithms developed to predict the effect of missense changes on protein structure and function (SIFT, PolyPhen-2, Align-GVGD) all suggest that this variant is likely to be disruptive, but these predictions have not been confirmed by published functional studies and their clinical significance is uncertain. This variant has not been reported in the literature in individuals with MPDZ-related conditions. This variant is not present in population databases (ExAC no frequency). This sequence change replaces valine with alanine at codon 1209 of the MPDZ protein (p.Val1209Ala). The valine residue is highly conserved and there is a small physicochemical difference between valine and alanine.

NM_001378778.1(MPDZ):c.3626T>C (p.Val1209Ala)

Gene: MPDZ (multiple PDZ domain crumbs cell polarity complex component; minus strand). Cytogenetic location: 9p23.
Variant type: single nucleotide variant.
Coding change: c.3626T>C on transcript NM_001378778.1 (MANE Select); coding-DNA position 3626, T replaced by C.
Protein change: p.Val1209Ala; replaces valine 1209 with alanine.
Molecular consequence: missense variant.
Genome position (GRCh38, 1-based): chr9:13,150,515, A>G on the plus strand (T>C on the coding strand, the complement: MPDZ is on the minus strand). VCF-style: chr9-13150515-A-G. GRCh37 (hg19) VCF-style: chr9-13150514-A-G.
Other names: c.3626T>C, p.Val1209Ala (NM_001261406.2, NM_001261407.2, NM_001330637.2 and 13 more transcripts); c.3428T>C, p.Val1143Ala (NM_001375427.1); short protein forms V1143A, V1209A.
Identifiers: ClinVar variation 1347624 (VCV001347624.8), dbSNP rs1949019560, ClinGen allele CA372950774.